The following is an entry in ClinVar:

ClinVar aggregate classification (germline): Uncertain significance (1 of 4 stars; one submission).

gnomAD v4.1: 3 of 1,613,916 alleles (0.00019%); highest among the groups gnomAD compares: Non-Finnish European, 0.00017%; no homozygotes.

Submission:

Athena Diagnostics
Classification: Uncertain significance. Last evaluated: 2023-11-30. Review status: criteria provided, single submitter. Criteria: Athena Diagnostics Criteria. Collection method: clinical testing. Allele origin: unknown.
Comment: Available data are insufficient to determine the clinical significance of the variant at this time. The frequency of this variant in the general population is uninformative in assessment of its pathogenicity. Computational tools yielded predictions that this variant is unlikely to have an effect on normal RNA splicing.

NM_015046.7(SETX):c.*10G>C

Gene: SETX (senataxin; minus strand). Cytogenetic location: 9q34.13.
Variant type: single nucleotide variant.
Coding change: c.*10G>C on transcript NM_015046.7 (MANE Select); 10 bases downstream of the stop codon, G replaced by C.
Molecular consequence: 3 prime UTR variant.
Genome position (GRCh38, 1-based): chr9:132,264,229, C>G on the plus strand (G>C on the coding strand, the complement: SETX is on the minus strand). VCF-style: chr9-132264229-C-G. GRCh37 (hg19) VCF-style: chr9-135139616-C-G.
Other names: c.*10G>C (NM_001351527.2, NM_001351528.2).
Identifiers: ClinVar variation 3571909 (VCV003571909.1).